The following is an entry in ClinVar:

NM_015978.3(TNNI3K):c.1793A>C (p.Glu598Ala)

Genes: FPGT-TNNI3K (FPGT-TNNI3K readthrough; plus strand), TNNI3K (TNNI3 interacting kinase; plus strand). Cytogenetic location: 1p31.1.
Variant type: single nucleotide variant.
Coding change: c.1793A>C on transcript NM_015978.3 (MANE Select); coding-DNA position 1793, A replaced by C.
Protein change: p.Glu598Ala; replaces glutamic acid 598 with alanine.
Molecular consequence: missense variant.
Genome position (GRCh38, 1-based): chr1:74,436,100, A>C. VCF-style: chr1-74436100-A-C. GRCh37 (hg19) VCF-style: chr1-74901784-A-C.
Other names: c.2096A>C, p.Glu699Ala (NM_001112808.3, NM_001199327.2); short protein forms E598A, E699A.
Identifiers: ClinVar variation 2817861 (VCV002817861.3), dbSNP rs747955097, ClinGen allele CA340788725.

ClinVar aggregate classification (germline): Uncertain significance (1 of 4 stars; one submission).

Submission:

Labcorp Genetics (formerly Invitae), Labcorp
Classification: Uncertain significance. Last evaluated: 2022-12-17. Review status: criteria provided, single submitter. Criteria: Invitae Variant Classification Sherloc (09022015). Collection method: clinical testing. Allele origin: germline.
Comment: This sequence change replaces glutamic acid, which is acidic and polar, with alanine, which is neutral and non-polar, at codon 598 of the TNNI3K protein (p.Glu598Ala). This variant is not present in population databases (gnomAD no frequency). This variant has not been reported in the literature in individuals affected with TNNI3K-related conditions. Algorithms developed to predict the effect of missense changes on protein structure and function are either unavailable or do not agree on the potential impact of this missense change (SIFT: "Deleterious"; PolyPhen-2: "Benign"; Align-GVGD: "Class C65"). In summary, the available evidence is currently insufficient to determine the role of this variant in disease. Therefore, it has been classified as a Variant of Uncertain Significance.